The following is an entry in ClinVar:

ClinVar aggregate classification (germline): Uncertain significance. Review status: criteria provided, multiple submitters, no conflicts (2 of 4 stars). 2 submissions from 2 submitters: Uncertain significance (2). Last evaluated 2024-10-07.

Conditions:
Maple syrup urine disease (MSUD). Identifiers: Orphanet 511, MedGen C0024776, MeSH D008375, MONDO:0009563. Disease mechanism: loss of function.
Inborn genetic diseases. Identifiers: MedGen C0950123, MeSH D030342.

Allele frequency attached by ClinVar (database versions not stated): gnomAD exomes 0.00001; ExAC 0.00002; gnomAD 0.00003; TOPMed 0.00006.
gnomAD v4.1: 23 of 1,614,154 alleles (0.0014%); highest among the groups gnomAD compares: African/African-American, 0.0093%; no homozygotes.

Submissions (2):

Ambry Genetics
Classification: Uncertain significance for Inborn genetic diseases. Last evaluated: 2024-10-07. Review status: criteria provided, single submitter. Criteria: Ambry Variant Classification Scheme 2023. Collection method: clinical testing. Allele origin: germline.

Labcorp Genetics (formerly Invitae), Labcorp
Classification: Uncertain significance for Maple syrup urine disease. Last evaluated: 2022-04-16. Review status: criteria provided, single submitter. Criteria: Invitae Variant Classification Sherloc (09022015). Collection method: clinical testing. Allele origin: germline.
Comment: This sequence change replaces valine, which is neutral and non-polar, with isoleucine, which is neutral and non-polar, at codon 81 of the BCKDHA protein (p.Val81Ile). This variant is present in population databases (rs761915209, gnomAD 0.01%). This variant has not been reported in the literature in individuals affected with BCKDHA-related conditions. Advanced modeling of protein sequence and biophysical properties (such as structural, functional, and spatial information, amino acid conservation, physicochemical variation, residue mobility, and thermodynamic stability) performed at Invitae indicates that this missense variant is not expected to disrupt BCKDHA protein function. In summary, the available evidence is currently insufficient to determine the role of this variant in disease. Therefore, it has been classified as a Variant of Uncertain Significance.

NM_000709.4(BCKDHA):c.241G>A (p.Val81Ile)

Gene: BCKDHA (branched chain keto acid dehydrogenase E1 subunit alpha; plus strand). Cytogenetic location: 19q13.2.
Variant type: single nucleotide variant.
Coding change: c.241G>A on transcript NM_000709.4 (MANE Select); coding-DNA position 241, G replaced by A.
Protein change: p.Val81Ile; replaces valine 81 with isoleucine.
Molecular consequence: missense variant.
Genome position (GRCh38, 1-based): chr19:41,410,769, G>A. VCF-style: chr19-41410769-G-A. GRCh37 (hg19) VCF-style: chr19-41916674-G-A.
Other names: c.241G>A (NM_000709.3); c.241G>A, p.Val81Ile (NM_001164783.2); short protein forms V81I.
Identifiers: ClinVar variation 2182803 (VCV002182803.2), dbSNP rs761915209, ClinGen allele CA9461033.